The following is an entry in ClinVar:

ClinVar aggregate classification (germline): Uncertain significance. Review status: criteria provided, multiple submitters, no conflicts (2 of 4 stars). 2 submissions from 2 submitters: Uncertain significance (2). Last evaluated 2026-02-20.

Conditions:
TMEM67-related disorder. Also called: TMEM67-related disorders; TMEM67-related condition. Identifiers: MedGen CN239423.
Joubert syndrome. Also called: Familial aplasia of the vermis; JOUBERT-BOLTSHAUSER SYNDROME. Identifiers: Orphanet 475, MedGen C5979921, MONDO:0018772.
Meckel-Gruber syndrome. Also called: Dysencephalia splachnocystica; GRUBER SYNDROME; DYSENCEPHALIA SPLANCHNOCYSTICA. Identifiers: Orphanet 564, MedGen C0265215, MONDO:0018921.

Allele frequency attached by ClinVar (database versions not stated): gnomAD exomes below 0.00001.
gnomAD v4.1: 17 of 1,608,300 alleles (0.0011%); highest among the groups gnomAD compares: African/African-American, 0.0067%; no homozygotes.

Submissions (2):

PreventionGenetics, part of Exact Sciences
Classification: Uncertain significance for TMEM67-related condition. Last evaluated: 2026-02-20. Review status: criteria provided, single submitter. Criteria: ACMG Guidelines, 2015. Collection method: clinical testing. Allele origin: germline.
Comment: The TMEM67 c.2627T>C variant is predicted to result in the amino acid substitution p.Met876Thr. To our knowledge, this variant has not been reported in the literature. This variant is reported in 0.0062% of alleles in individuals of African descent in gnomAD. At this time, the clinical significance of this variant is uncertain due to the absence of conclusive functional and genetic evidence.

Labcorp Genetics (formerly Invitae), Labcorp
Classification: Uncertain significance for Joubert syndrome; Meckel-Gruber syndrome. Last evaluated: 2022-07-12. Review status: criteria provided, single submitter. Criteria: Invitae Variant Classification Sherloc (09022015). Collection method: clinical testing. Allele origin: germline.
Comment: This sequence change replaces methionine, which is neutral and non-polar, with threonine, which is neutral and polar, at codon 876 of the TMEM67 protein (p.Met876Thr). This variant is present in population databases (rs528989414, gnomAD 0.007%). This variant has not been reported in the literature in individuals affected with TMEM67-related conditions. ClinVar contains an entry for this variant (Variation ID: 1352472). Advanced modeling of protein sequence and biophysical properties (such as structural, functional, and spatial information, amino acid conservation, physicochemical variation, residue mobility, and thermodynamic stability) performed at Invitae indicates that this missense variant is not expected to disrupt TMEM67 protein function. In summary, the available evidence is currently insufficient to determine the role of this variant in disease. Therefore, it has been classified as a Variant of Uncertain Significance.

NM_153704.6(TMEM67):c.2627T>C (p.Met876Thr)

Gene: TMEM67 (transmembrane protein 67; plus strand). Cytogenetic location: 8q22.1.
Variant type: single nucleotide variant.
Coding change: c.2627T>C on transcript NM_153704.6 (MANE Select); coding-DNA position 2627, T replaced by C.
Protein change: p.Met876Thr; replaces methionine 876 with threonine.
Molecular consequence: missense variant. On other transcripts: non-coding transcript variant (1).
Genome position (GRCh38, 1-based): chr8:93,809,127, T>C. VCF-style: chr8-93809127-T-C. GRCh37 (hg19) VCF-style: chr8-94821355-T-C.
Other names: c.2384T>C, p.Met795Thr (NM_001142301.1); c.2627T>C (NM_153704.5); short protein forms M795T, M876T.
Identifiers: ClinVar variation 1352472 (VCV001352472.6), dbSNP rs528989414, ClinGen allele CA181345944.